The following is an entry in ClinVar:

ClinVar aggregate classification (germline): Uncertain significance (1 of 4 stars; one submission).

Conditions:
Combined oxidative phosphorylation defect type 27. Also called: Combined oxidative phosphorylation deficiency 27. Identifiers: Orphanet 477774, MedGen C5567608, MONDO:0014728, OMIM 616672.

Submission:

Labcorp Genetics (formerly Invitae), Labcorp
Classification: Uncertain significance for Combined oxidative phosphorylation defect type 27. Last evaluated: 2022-08-16. Review status: criteria provided, single submitter. Criteria: Invitae Variant Classification Sherloc (09022015). Collection method: clinical testing. Allele origin: germline.
Comment: In summary, the available evidence is currently insufficient to determine the role of this variant in disease. Therefore, it has been classified as a Variant of Uncertain Significance. Algorithms developed to predict the effect of sequence changes on RNA splicing suggest that this variant may create or strengthen a splice site. ClinVar contains an entry for this variant (Variation ID: 1501723). This variant has not been reported in the literature in individuals affected with CARS2-related conditions. This variant is present in population databases (no rsID available, gnomAD 0.007%). This sequence change creates a premature translational stop signal (p.Pro12Tyrfs*73) in the CARS2 gene. It is expected to result in an absent or disrupted protein product. However, the current clinical and genetic evidence is not sufficient to establish whether loss-of-function variants in CARS2 cause disease.

NM_024537.4(CARS2):c.12_33dup (p.Pro12fs)

Genes: CARS2 (cysteinyl-tRNA synthetase 2, mitochondrial; minus strand), LOC130010127 (ATAC-STARR-seq lymphoblastoid silent region 5509; plus strand). Cytogenetic location: 13q34.
Variant type: Duplication.
Coding change: c.12_33dup on transcript NM_024537.4 (MANE Select); coding-DNA positions 12 to 33, 22 bases duplicated (TACGCGCGGCCCAGGCCTGGGC).
Protein change: p.Pro12fs; shifts the reading frame from proline 12.
Molecular consequence: frameshift variant. On other transcripts: intron variant (1), non-coding transcript variant (1).
Genome position (GRCh38, 1-based): chr13:110,706,061-110,706,082, GCCCAGGCCTGGGCCGCGCGTA duplicated on the plus strand (TACGCGCGGCCCAGGCCTGGGC on the coding strand, the reverse complement: CARS2 is on the minus strand); duplicating any 22 consecutive bases within chr13:110,706,061-110,706,083 gives the same sequence; the c. name uses the placement nearest the transcript's 3' end. VCF-style (leftmost placement, unchanged base first): chr13-110706060-G-GGCCCAGGCCTGGGCCGCGCGTA. GRCh37 (hg19) VCF-style: chr13-111358407-G-GGCCCAGGCCTGGGCCGCGCGTA.
Other names: c.-776+289_-776+310dup (NM_001352252.2); c.12_33dup, p.Pro12fs (NM_001352253.3); short protein forms P12fs.
Identifiers: ClinVar variation 1501723 (VCV001501723.5), dbSNP rs1415686449, ClinGen allele CA612867075.
Genomic context (GRCh38, chr13:110,706,060, plus strand): 5'-GGCCCGCAGGCCAGTGCCACCCAGCCCGCCCAAGGCCCAGCGCGGCCTGGAGCAGCGGGG[G>GGCCCAGGCCTGGGCCGCGCGTA]GCCCAGGCCTGGGCCGCGCGTAGTCCTCAACATGTCAGCGGCCAGCGCCTACGACTGGGC-3'